The following is an entry in ClinVar:

ClinVar aggregate classification (germline): Conflicting classifications of pathogenicity. Review status: criteria provided, conflicting classifications (1 of 4 stars). 2 submissions from 2 submitters: Uncertain significance (1); Benign (1). Last evaluated 2026-08-12.

Conditions:
Ehlers-Danlos syndrome, classic type, 1 (EDSCL1). Also called: EHLERS-DANLOS SYNDROME, GRAVIS TYPE; EHLERS-DANLOS SYNDROME, SEVERE CLASSIC TYPE; Ehlers-Danlos Syndrome, Classic Type, COL5A1-Related; EDS I; Ehlers-Danlos syndrome, type 1. Identifiers: MedGen C0268335, MONDO:0019567, OMIM 130000.
Familial thoracic aortic aneurysm and aortic dissection (TAAD). Also called: Thoracic aortic aneurysms and dissections. Identifiers: Orphanet 91387, MedGen C4707243, MONDO:0019625.

Allele frequency attached by ClinVar (database versions not stated): ExAC 0.00005; gnomAD exomes 0.00006 and 0.00002; TOPMed 0.00002; gnomAD 0.00003.
gnomAD v4.1: 39 of 1,614,028 alleles (0.0024%); highest among the groups gnomAD compares: East Asian, 0.016%; no homozygotes.

Submissions (2):

Ambry Genetics
Classification: Uncertain significance for Familial thoracic aortic aneurysm and aortic dissection. Last evaluated: 2026-08-12. Review status: criteria provided, single submitter. Criteria: Ambry Variant Classification Scheme 2023. Collection method: clinical testing. Allele origin: germline.
Comment: The c.4880G>A (p.R1627Q) alteration is located in exon 62 (coding exon 62) of the COL5A1 gene. This alteration results from a G to A substitution at nucleotide position 4880, causing the arginine (R) at amino acid position 1627 to be replaced by a glutamine (Q). Based on data from gnomAD, the A allele has an overall frequency of 0.006% (17/281530) total alleles studied. The highest observed frequency was 0.025% (5/19940) of East Asian alleles. Based on insufficient or conflicting evidence, the clinical significance of this alteration remains unclear.

Labcorp Genetics (formerly Invitae), Labcorp
Classification: Benign for Ehlers-Danlos syndrome, classic type, 1. Last evaluated: 2026-01-06. Review status: criteria provided, single submitter. Criteria: Invitae Variant Classification Sherloc (09022015). Collection method: clinical testing. Allele origin: germline.

NM_000093.5(COL5A1):c.4880G>A (p.Arg1627Gln)

Genes: COL5A1 (collagen type V alpha 1 chain; plus strand), LOC101448202 (uncharacterized LOC101448202; minus strand). Cytogenetic location: 9q34.3.
Variant type: single nucleotide variant.
Coding change: c.4880G>A on transcript NM_000093.5 (MANE Select); coding-DNA position 4880, G replaced by A.
Protein change: p.Arg1627Gln; replaces arginine 1627 with glutamine.
Molecular consequence: missense variant.
Genome position (GRCh38, 1-based): chr9:134,824,781, G>A. VCF-style: chr9-134824781-G-A. GRCh37 (hg19) VCF-style: chr9-137716627-G-A.
Other names: c.4880G>A, p.Arg1627Gln (NM_001278074.1); c.4880G>A (NM_000093.3); short protein forms R1627Q.
Identifiers: ClinVar variation 650795 (VCV000650795.12), dbSNP rs761802703, ClinGen allele CA5320496.
Genomic context (GRCh38, chr9:134,824,781, plus strand): 5'-GCATGGAAGAGATCTTCGGCTCTCTCAACTCTCTGAAGCTGGAGATTGAGCAGATGAAAC[G>A]GCCCCTGGGCACGCAGCAGAACCCCGCCCGCACCTGCAAGGACCTGCAGCTCTGCCACCC-3'
Protein context (NP_000084.3, residues 1617-1637): SLKLEIEQMK[Arg1627Gln]PLGTQQNPAR